The following is an entry in ClinVar:

NM_000038.6(APC):c.3764A>G (p.Asn1255Ser)

Gene: APC (APC regulator of Wnt signaling pathway; plus strand). Cytogenetic location: 5q22.2.
Variant type: single nucleotide variant.
Coding change: c.3764A>G on transcript NM_000038.6 (MANE Select); coding-DNA position 3764, A replaced by G.
Protein change: p.Asn1255Ser; replaces asparagine 1255 with serine.
Molecular consequence: missense variant.
Genome position (GRCh38, 1-based): chr5:112,839,358, A>G. VCF-style: chr5-112839358-A-G. GRCh37 (hg19) VCF-style: chr5-112175055-A-G.
Other names: c.3284A>G, p.Asn1095Ser (NM_001354905.2); c.2915A>G, p.Asn972Ser (NM_001354906.2, NM_001407470.1); c.3848A>G, p.Asn1283Ser (NM_001407446.1); c.3818A>G, p.Asn1273Ser (NM_001407447.1, NM_001407448.1, NM_001354896.2 and 1 more transcripts); c.3461A>G, p.Asn1154Ser (NM_001407459.1, NM_001407460.1, NM_001354903.2 and 1 more transcripts); c.3377A>G, p.Asn1126Ser (NM_001407467.1, NM_001407469.1); c.2612A>G, p.Asn871Ser (NM_001407471.1, NM_001407472.1); c.3764A>G, p.Asn1255Ser (NM_001127510.3, NM_001354895.2, NM_001407450.1); and 11 more; short protein forms N1172S, N1227S, N1230S, N1245S, N1265S, N1126S, N1129S, N1164S.
Identifiers: ClinVar variation 1734701 (VCV001734701.8), dbSNP rs2533522602, ClinGen allele CA16029588.

ClinVar aggregate classification (germline): Uncertain significance. Review status: criteria provided, multiple submitters, no conflicts (2 of 4 stars). 2 submissions from 2 submitters: Uncertain significance (2). Last evaluated 2024-06-21.

Conditions:
Hereditary cancer-predisposing syndrome. Also called: Neoplastic Syndromes, Hereditary; Tumor predisposition; Hereditary Cancer Syndrome; Hereditary neoplastic syndrome. Identifiers: Orphanet 140162, MedGen C0027672, MeSH D009386, MONDO:0015356.
Familial adenomatous polyposis 1 (FAP1). Also called: FAMILIAL ADENOMATOUS POLYPOSIS 1, ATTENUATED; POLYPOSIS, ADENOMATOUS INTESTINAL. Identifiers: MedGen C2713442, MONDO:0021056, OMIM 175100. Disease mechanism: loss of function.

Allele frequency attached by ClinVar (database versions not stated): gnomAD exomes below 0.00001.
gnomAD v4.1: 1 of 1,613,238 alleles (0.000062%); highest among the groups gnomAD compares: Non-Finnish European, 0.000085%; no homozygotes.

Submissions (2):

Ambry Genetics
Classification: Uncertain significance for Hereditary cancer-predisposing syndrome. Last evaluated: 2024-06-21. Review status: criteria provided, single submitter. Criteria: Ambry Variant Classification Scheme 2023. Collection method: clinical testing. Allele origin: germline.
Comment: The p.N1255S variant (also known as c.3764A>G), located in coding exon 15 of the APC gene, results from an A to G substitution at nucleotide position 3764. The asparagine at codon 1255 is replaced by serine, an amino acid with highly similar properties. This amino acid position is well conserved in available vertebrate species. In addition, in silico predictors for this gene do not accurately predict pathogenicity. Since supporting evidence is limited at this time, the clinical significance of this alteration remains unclear.

Labcorp Genetics (formerly Invitae), Labcorp
Classification: Uncertain significance for Familial adenomatous polyposis 1. Last evaluated: 2022-06-18. Review status: criteria provided, single submitter. Criteria: Invitae Variant Classification Sherloc (09022015). Collection method: clinical testing. Allele origin: germline.
Comment: In summary, the available evidence is currently insufficient to determine the role of this variant in disease. Therefore, it has been classified as a Variant of Uncertain Significance. Algorithms developed to predict the effect of missense changes on protein structure and function are either unavailable or do not agree on the potential impact of this missense change (SIFT: "Deleterious"; PolyPhen-2: "Benign"; Align-GVGD: "Class C45"). This variant has not been reported in the literature in individuals affected with APC-related conditions. This variant is not present in population databases (gnomAD no frequency). This sequence change replaces asparagine, which is neutral and polar, with serine, which is neutral and polar, at codon 1255 of the APC protein (p.Asn1255Ser).